The following is an entry in ClinVar:

ClinVar aggregate classification (germline): Uncertain significance (1 of 4 stars; one submission).

Conditions:
Familial cancer of breast. Also called: BREAST CANCER, FAMILIAL; Hereditary breast cancer; hereditary breast carcinoma. Identifiers: Orphanet 227535, MedGen C0346153, MONDO:0016419, OMIM 114480. Disease mechanism: loss of function.

Submission:

Labcorp Genetics (formerly Invitae), Labcorp
Classification: Uncertain significance for Familial cancer of breast. Last evaluated: 2017-05-21. Review status: criteria provided, single submitter. Criteria: Invitae Variant Classification Sherloc (09022015). Collection method: clinical testing. Allele origin: germline.
Comment: This variant is not present in population databases (ExAC no frequency). This variant has not been reported in the literature in individuals with a PALB2-related disease. Algorithms developed to predict the effect of missense changes on protein structure and function do not agree on the potential impact of this missense change (SIFT: "Tolerated"; PolyPhen-2: "Possibly Damaging"; Align-GVGD: "Class C0"). In summary, this variant has uncertain impact on PALB2 function. The available evidence is currently insufficient to determine its role in disease. Therefore, it has been classified as a Variant of Uncertain Significance. This sequence change replaces serine with tyrosine at codon 390 of the PALB2 protein (p.Ser390Tyr). The serine residue is moderately conserved and there is a large physicochemical difference between serine and tyrosine.

NM_024675.4(PALB2):c.1169C>A (p.Ser390Tyr)

Gene: PALB2 (partner and localizer of BRCA2; minus strand). Cytogenetic location: 16p12.2.
Variant type: single nucleotide variant.
Coding change: c.1169C>A on transcript NM_024675.4 (MANE Select); coding-DNA position 1169, C replaced by A.
Protein change: p.Ser390Tyr; replaces serine 390 with tyrosine.
Molecular consequence: missense variant.
Genome position (GRCh38, 1-based): chr16:23,635,377, G>T on the plus strand (C>A on the coding strand, the complement: PALB2 is on the minus strand). VCF-style: chr16-23635377-G-T. GRCh37 (hg19) VCF-style: chr16-23646698-G-T.
Other names: short protein forms S390Y.
Identifiers: ClinVar variation 460883 (VCV000460883.9), dbSNP rs1555461425, ClinGen allele CA395133438.